The following is an entry in ClinVar:

ClinVar aggregate classification (germline): Conflicting classifications of pathogenicity. Review status: criteria provided, conflicting classifications (1 of 4 stars). 4 submissions from 4 submitters: Uncertain significance (3); Likely benign (1). Last evaluated 2025-05-02.

Conditions:
Inborn genetic diseases. Identifiers: MedGen C0950123, MeSH D030342.
Deafness-encephaloneuropathy-obesity-valvulopathy syndrome. Identifiers: Orphanet 254898, MedGen C3553354, MONDO:0013837, OMIM 614651.

Allele frequency attached by ClinVar (database versions not stated): ExAC below 0.00001; gnomAD 0.00002; gnomAD exomes 0.00008; TOPMed 0.00008.
gnomAD v4.1: 55 of 1,340,432 alleles (0.0041%); highest among the groups gnomAD compares: East Asian, 0.15%; no homozygotes.

Submissions (4):

Ambry Genetics
Classification: Likely benign for Inborn genetic diseases. Last evaluated: 2025-05-02. Review status: criteria provided, single submitter. Criteria: Ambry Variant Classification Scheme 2023. Collection method: clinical testing. Allele origin: germline.

Labcorp Genetics (formerly Invitae), Labcorp
Classification: Uncertain significance. Last evaluated: 2022-05-24. Review status: criteria provided, single submitter. Criteria: Invitae Variant Classification Sherloc (09022015). Collection method: clinical testing. Allele origin: germline.
Comment: In summary, the available evidence is currently insufficient to determine the role of this variant in disease. Therefore, it has been classified as a Variant of Uncertain Significance. Algorithms developed to predict the effect of missense changes on protein structure and function output the following: SIFT: "Not Available"; PolyPhen-2: "Benign"; Align-GVGD: "Not Available". The leucine amino acid residue is found in multiple mammalian species, which suggests that this missense change does not adversely affect protein function. ClinVar contains an entry for this variant (Variation ID: 299692). This variant has not been reported in the literature in individuals affected with PDSS1-related conditions. This variant is present in population databases (rs763915931, gnomAD 0.2%). This sequence change replaces arginine, which is basic and polar, with leucine, which is neutral and non-polar, at codon 28 of the PDSS1 protein (p.Arg28Leu).

Fulgent Genetics
Classification: Uncertain significance for Deafness-encephaloneuropathy-obesity-valvulopathy syndrome. Last evaluated: 2022-01-07. Review status: criteria provided, single submitter. Criteria: ACMG Guidelines, 2015. Collection method: clinical testing. Allele origin: unknown.

Illumina Laboratory Services, Illumina
Classification: Uncertain significance for Deafness-encephaloneuropathy-obesity-valvulopathy syndrome. Last evaluated: 2018-01-13. Review status: criteria provided, single submitter. Criteria: ICSL Variant Classification Criteria 13 December 2019. Collection method: clinical testing. Allele origin: germline.

NM_014317.5(PDSS1):c.83G>T (p.Arg28Leu)

Gene: PDSS1 (decaprenyl diphosphate synthase subunit 1; plus strand). Cytogenetic location: 10p12.1.
Variant type: single nucleotide variant.
Coding change: c.83G>T on transcript NM_014317.5 (MANE Select); coding-DNA position 83, G replaced by T.
Protein change: p.Arg28Leu; replaces arginine 28 with leucine.
Molecular consequence: missense variant. On other transcripts: 5 prime UTR variant (1).
Genome position (GRCh38, 1-based): chr10:26,697,794, G>T. VCF-style: chr10-26697794-G-T. GRCh37 (hg19) VCF-style: chr10-26986723-G-T.
Other names: c.83G>T, p.Arg28Leu (NM_001321978.2); c.-511G>T (NM_001321979.2); short protein forms R28L.
Identifiers: ClinVar variation 299692 (VCV000299692.12), dbSNP rs763915931, ClinGen allele CA5446848.